The following is an entry in ClinVar:

NM_001127222.2(CACNA1A):c.436_437insG (p.Phe146fs)

Gene: CACNA1A (calcium voltage-gated channel subunit alpha1 A; minus strand). Cytogenetic location: 19p13.13.
Variant type: Insertion.
Coding change: c.436_437insG on transcript NM_001127222.2 (MANE Select); coding-DNA positions 436 to 437, G inserted.
Protein change: p.Phe146fs; shifts the reading frame from phenylalanine 146.
Molecular consequence: frameshift variant.
Genome position: GRCh38 VCF-style: chr19-13452978-A-AC. GRCh37 (hg19) VCF-style: chr19-13563792-A-AC.
Other names: c.436_437insG, p.Phe146fs (NM_000068.4, NM_001127221.2, NM_001174080.2 and 1 more transcripts); short protein forms F146fs.
Identifiers: ClinVar variation 2951227 (VCV002951227.4), dbSNP rs2513503821, ClinGen allele CA2740091963.

ClinVar aggregate classification (germline): Pathogenic. Review status: criteria provided, multiple submitters, no conflicts (2 of 4 stars). 2 submissions from 2 submitters: Pathogenic (2). Last evaluated 2024-04-30.

Conditions:
Episodic ataxia type 2 (EA2). Also called: CEREBELLAR ATAXIA, PAROXYSMAL, ACETAZOLAMIDE-RESPONSIVE; CEREBELLOPATHY, HEREDITARY PAROXYSMAL; EPISODIC ATAXIA, NYSTAGMUS-ASSOCIATED; ACETAZOLAMIDE-RESPONSIVE HEREDITARY PAROXYSMAL CEREBELLAR ATAXIA; ATAXIA, EPISODIC, WITH NYSTAGMUS; ATAXIA, FAMILIAL PAROXYSMAL. Identifiers: Orphanet 97, MedGen C1720416, MONDO:0007163, OMIM 108500.
Developmental and epileptic encephalopathy, 42 (DEE42A). Also called: Epileptic encephalopathy, early infantile, 42; DEVELOPMENTAL AND EPILEPTIC ENCEPHALOPATHY 42A; EPILEPTIC ENCEPHALOPATHY, EARLY INFANTILE, 42A. Identifiers: MedGen C4310716, MONDO:0014917, OMIM 617106.

Submissions (2):

Women's Health and Genetics/Laboratory Corporation of America, LabCorp
Classification: Pathogenic for Developmental and epileptic encephalopathy, 42. Last evaluated: 2024-04-30. Review status: criteria provided, single submitter. Criteria: LabCorp Variant Classification Summary - May 2015. Collection method: clinical testing. Allele origin: germline.
Comment: Variant summary: CACNA1A c.436_437insG (p.Phe146CysfsX6) results in a premature termination codon, predicted to cause a truncation of the encoded protein or absence of the protein due to nonsense mediated decay, which are commonly known mechanisms for disease. The variant was absent in 249256 control chromosomes. To our knowledge, no occurrence of c.436_437insG in individuals affected with Epileptic Encephalopathy, Early Infantile, 42 and no experimental evidence demonstrating its impact on protein function have been reported. ClinVar contains an entry for this variant (Variation ID: 2951227). Based on the evidence outlined above, the variant was classified as pathogenic.

Labcorp Genetics (formerly Invitae), Labcorp
Classification: Pathogenic for Developmental and epileptic encephalopathy, 42; Episodic ataxia type 2. Last evaluated: 2024-04-09. Review status: criteria provided, single submitter. Criteria: Invitae Variant Classification Sherloc (09022015). Collection method: clinical testing. Allele origin: germline.
Comment: This sequence change creates a premature translational stop signal (p.Phe146Cysfs*6) in the CACNA1A gene. It is expected to result in an absent or disrupted protein product. Loss-of-function variants in CACNA1A are known to be pathogenic (PMID: 10371528, 19486177, 25735478, 27250579). This variant is not present in population databases (gnomAD no frequency). This variant has not been reported in the literature in individuals affected with CACNA1A-related conditions. For these reasons, this variant has been classified as Pathogenic.

Literature cited by the submitters: PubMed 10371528 (cited by Labcorp Genetics (formerly Invitae), Labcorp); PubMed 19486177 (cited by Labcorp Genetics (formerly Invitae), Labcorp); PubMed 25735478 (cited by Labcorp Genetics (formerly Invitae), Labcorp); PubMed 27250579 (cited by Labcorp Genetics (formerly Invitae), Labcorp).